The following is an entry in ClinVar:

ClinVar aggregate classification (germline): Conflicting classifications of pathogenicity. Review status: criteria provided, conflicting classifications (1 of 4 stars). 8 submissions from 8 submitters: Uncertain significance (6); Likely benign (2). Last evaluated 2026-08-19.

Conditions:
GJC2-related disorder. Also called: GJC2-related disorders; GJC2-related condition. Identifiers: MedGen CN230087.
Inborn genetic diseases. Identifiers: MedGen C0950123, MeSH D030342.
Spastic paraplegia. Identifiers: MedGen C0037772, HP:0001258.
Hereditary spastic paraplegia. Also called: Familial spastic paraparesis. Identifiers: Orphanet 685, MedGen C0037773, MONDO:0019064. Disease mechanism: loss of function.

Allele frequency attached by ClinVar (database versions not stated): 1000 Genomes Project 30x 0.00016; ESP Exome Variant Server 0.00033; gnomAD 0.00061; TOPMed 0.00068.
gnomAD v4.1: 1,491 of 1,552,116 alleles (0.096%); highest among the groups gnomAD compares: Non-Finnish European, 0.12%; 1 homozygote.

Submissions (8):

PreventionGenetics, part of Exact Sciences
Classification: Uncertain significance for GJC2-related condition. Last evaluated: 2026-08-19. Review status: criteria provided, single submitter. Criteria: ACMG Guidelines, 2015. Collection method: clinical testing. Allele origin: germline.
Comment: The GJC2 c.556G>T variant is predicted to result in the amino acid substitution p.Gly186Cys. This variant was reported in an individual with secondary lymphoedema (Finegold et al 2012. PubMed ID: 22351697). This variant is reported in 0.12% of alleles in individuals of European (Non-Finnish) descent in gnomAD, which may be too common for highly penetrant, autosomal dominant variant. At this time, the clinical significance of this variant is uncertain due to the absence of conclusive functional and genetic evidence.

Women's Health and Genetics/Laboratory Corporation of America, LabCorp
Classification: Uncertain significance. Last evaluated: 2026-04-20. Review status: criteria provided, single submitter. Criteria: LabCorp Variant Classification Summary - May 2015. Collection method: clinical testing. Allele origin: germline.
Comment: Variant summary: GJC2 c.556G>T (p.Gly186Cys) results in a non-conservative amino acid change in the encoded protein sequence. Algorithms developed to predict the effect of missense changes on protein structure and function are either unavailable or do not agree on the potential impact of this missense change. The variant allele was found at a frequency of 0.00069 in 158812 control chromosomes, predominantly at a frequency of 0.0012 within the Non-Finnish European subpopulation in the gnomAD database. This frequency is not significantly higher than estimated for disease-causing variants in GJC2, allowing no conclusion about variant significance. To our knowledge, no occurrence of c.556G>T in individuals affected with GJC2-related conditions and no experimental evidence demonstrating its impact on protein function have been reported. ClinVar contains an entry for this variant (Variation ID: 695399). Based on the evidence outlined above, the variant was classified as uncertain significance.

Labcorp Genetics (formerly Invitae), Labcorp
Classification: Likely benign for Spastic paraplegia. Last evaluated: 2026-01-26. Review status: criteria provided, single submitter. Criteria: Invitae Variant Classification Sherloc (09022015). Collection method: clinical testing. Allele origin: germline.

Mayo Clinic Laboratories, Mayo Clinic
Classification: Likely benign. Last evaluated: 2025-03-11. Review status: criteria provided, single submitter. Criteria: ACMG Guidelines, 2015. Collection method: clinical testing. Allele origin: germline. Observed: 3 variant alleles.
Comment: BS1, BP5

Blueprint Genetics
Classification: Uncertain significance. Last evaluated: 2024-10-09. Review status: criteria provided, single submitter. Criteria: ACMG Guidelines, 2015. Collection method: clinical testing. Allele origin: germline.

CeGaT Center for Human Genetics Tuebingen
Classification: Uncertain significance. Last evaluated: 2023-04-01. Review status: criteria provided, single submitter. Criteria: CeGaT Center For Human Genetics Tuebingen Variant Classification Criteria Version 2. Collection method: clinical testing. Allele origin: germline. Affected: yes. Observed: 1 variant allele.
Comment: GJC2: PP3

Ambry Genetics
Classification: Uncertain significance for Inborn genetic diseases. Last evaluated: 2021-12-03. Review status: criteria provided, single submitter. Criteria: Ambry Variant Classification Scheme 2023. Collection method: clinical testing. Allele origin: germline.

Genome Diagnostics Laboratory, The Hospital for Sick Children
Classification: Uncertain significance for Hereditary spastic paraplegia. Last evaluated: 2016-12-12. Review status: criteria provided, single submitter. Criteria: ACMG Guidelines, 2015. Collection method: clinical testing. Allele origin: germline. Affected: yes.

Literature cited by the submitters: PubMed 27860360 (cited by Mayo Clinic Laboratories, Mayo Clinic and Ambry Genetics).

NM_020435.4(GJC2):c.556G>T (p.Gly186Cys)

Gene: GJC2 (gap junction protein gamma 2; plus strand). Cytogenetic location: 1q42.13.
Variant type: single nucleotide variant.
Coding change: c.556G>T on transcript NM_020435.4 (MANE Select); coding-DNA position 556, G replaced by T.
Protein change: p.Gly186Cys; replaces glycine 186 with cysteine.
Molecular consequence: missense variant.
Genome position (GRCh38, 1-based): chr1:228,158,314, G>T. VCF-style: chr1-228158314-G-T. GRCh37 (hg19) VCF-style: chr1-228346015-G-T.
Other names: p.Gly186Cys; short protein forms G186C.
Identifiers: ClinVar variation 695399 (VCV000695399.47), dbSNP rs201277546, ClinGen allele CA1430876.